The following is an entry in ClinVar:

ClinVar aggregate classification (germline): Uncertain significance. Review status: criteria provided, multiple submitters, no conflicts (2 of 4 stars). 2 submissions from 2 submitters: Uncertain significance (2). Last evaluated 2022-11-08.

Conditions:
Primary ciliary dyskinesia 33. Also called: CILIARY DYSKINESIA, PRIMARY, 33, WITHOUT SITUS INVERSUS. Identifiers: Orphanet 244, MedGen C4225230, MONDO:0014750, OMIM 616726.

Allele frequency attached by ClinVar (database versions not stated): ESP Exome Variant Server 0.00015; gnomAD exomes 0.00002; ExAC 0.00003; gnomAD 0.00006; TOPMed 0.00007.
gnomAD v4.1: 18 of 1,603,220 alleles (0.0011%); highest among the groups gnomAD compares: African/African-American, 0.02%; no homozygotes.

Submissions (2):

GeneDx
Classification: Uncertain significance. Last evaluated: 2022-11-08. Review status: criteria provided, single submitter. Criteria: GeneDx Variant Classification Process June 2021. Collection method: clinical testing. Allele origin: germline. Affected: yes.
Comment: In silico analysis supports that this missense variant does not alter protein structure/function; Has not been previously published as pathogenic or benign to our knowledge

Labcorp Genetics (formerly Invitae), Labcorp
Classification: Uncertain significance for Primary ciliary dyskinesia 33. Last evaluated: 2022-08-15. Review status: criteria provided, single submitter. Criteria: Invitae Variant Classification Sherloc (09022015). Collection method: clinical testing. Allele origin: germline.
Comment: Algorithms developed to predict the effect of missense changes on protein structure and function output the following: SIFT: "Tolerated"; PolyPhen-2: "Benign"; Align-GVGD: "Class C0". The threonine amino acid residue is found in multiple mammalian species, which suggests that this missense change does not adversely affect protein function. In summary, the available evidence is currently insufficient to determine the role of this variant in disease. Therefore, it has been classified as a Variant of Uncertain Significance. ClinVar contains an entry for this variant (Variation ID: 1378898). This variant has not been reported in the literature in individuals affected with GAS8-related conditions. This variant is present in population databases (rs145081247, gnomAD 0.02%). This sequence change replaces alanine, which is neutral and non-polar, with threonine, which is neutral and polar, at codon 187 of the GAS8 protein (p.Ala187Thr).

NM_001481.3(GAS8):c.559G>A (p.Ala187Thr)

Gene: GAS8 (growth arrest specific 8; plus strand). Cytogenetic location: 16q24.3.
Variant type: single nucleotide variant.
Coding change: c.559G>A on transcript NM_001481.3 (MANE Select); coding-DNA position 559, G replaced by A.
Protein change: p.Ala187Thr; replaces alanine 187 with threonine.
Molecular consequence: missense variant. On other transcripts: 5 prime UTR variant (1).
Genome position (GRCh38, 1-based): chr16:90,036,389, G>A. VCF-style: chr16-90036389-G-A. GRCh37 (hg19) VCF-style: chr16-90102797-G-A.
Other names: c.310G>A, p.Ala104Thr (NM_001286205.2); c.-18G>A (NM_001286208.2); c.484G>A, p.Ala162Thr (NM_001286209.2); c.559G>A (NM_001481.2); short protein forms A187T, A104T, A162T.
Identifiers: ClinVar variation 1378898 (VCV001378898.7), dbSNP rs145081247, ClinGen allele CA8257882.